The following is an entry in ClinVar:

ClinVar aggregate classification (germline): Conflicting classifications of pathogenicity. Review status: criteria provided, conflicting classifications (1 of 4 stars). 2 submissions from 2 submitters: Uncertain significance (1); Likely benign (1). Last evaluated 2024-05-28.

Conditions:
Severe combined immunodeficiency due to IKK2 deficiency. Also called: IMMUNODEFICIENCY 15B; Immunodeficiency 15. Identifiers: Orphanet 397787, MedGen C4747743, MONDO:0014267, OMIM 615592.

Allele frequency attached by ClinVar (database versions not stated): gnomAD 0.00001 and 0.00002; TOPMed 0.00001; ExAC 0.00004; gnomAD exomes 0.00004 and 0.00005.
gnomAD v4.1: 57 of 1,613,960 alleles (0.0035%); highest among the groups gnomAD compares: Middle Eastern, 0.033%; no homozygotes.

Submissions (2):

Labcorp Genetics (formerly Invitae), Labcorp
Classification: Uncertain significance for Severe combined immunodeficiency due to IKK2 deficiency. Last evaluated: 2024-05-28. Review status: criteria provided, single submitter. Criteria: Invitae Variant Classification Sherloc (09022015). Collection method: clinical testing. Allele origin: germline.
Comment: This sequence change replaces arginine, which is basic and polar, with tryptophan, which is neutral and slightly polar, at codon 645 of the IKBKB protein (p.Arg645Trp). This variant is present in population databases (rs753922163, gnomAD 0.02%). This variant has not been reported in the literature in individuals affected with IKBKB-related conditions. ClinVar contains an entry for this variant (Variation ID: 634580). Advanced modeling of protein sequence and biophysical properties (such as structural, functional, and spatial information, amino acid conservation, physicochemical variation, residue mobility, and thermodynamic stability) performed at Invitae indicates that this missense variant is not expected to disrupt IKBKB protein function with a negative predictive value of 95%. In summary, the available evidence is currently insufficient to determine the role of this variant in disease. Therefore, it has been classified as a Variant of Uncertain Significance.

Genomic Research Center, Shahid Beheshti University of Medical Sciences
Classification: Likely benign for Immunodeficiency 15. Last evaluated: 2019-01-01. Review status: criteria provided, single submitter. Criteria: ACMG Guidelines, 2015. Collection method: clinical testing. Allele origin: inherited. Affected: yes. Observed: 1 variant allele.

NM_001556.3(IKBKB):c.1933C>T (p.Arg645Trp)

Gene: IKBKB (inhibitor of nuclear factor kappa B kinase subunit beta; plus strand). Cytogenetic location: 8p11.21.
Variant type: single nucleotide variant.
Coding change: c.1933C>T on transcript NM_001556.3 (MANE Select); coding-DNA position 1933, C replaced by T.
Protein change: p.Arg645Trp; replaces arginine 645 with tryptophan.
Molecular consequence: missense variant. On other transcripts: non-coding transcript variant (3).
Genome position (GRCh38, 1-based): chr8:42,322,441, C>T. VCF-style: chr8-42322441-C-T. GRCh37 (hg19) VCF-style: chr8-42179959-C-T.
Other names: c.1741C>T, p.Arg581Trp (NM_001190720.3); c.1756C>T, p.Arg586Trp (NM_001242778.2); short protein forms R645W, R586W, R581W.
Identifiers: ClinVar variation 634580 (VCV000634580.7), dbSNP rs753922163, ClinGen allele CA4732153.